The following is an entry in ClinVar:

ClinVar aggregate classification (germline): Likely benign (1 of 4 stars; one submission).

Allele frequency attached by ClinVar (database versions not stated): gnomAD exomes below 0.00001; TOPMed below 0.00001; ExAC 0.00002.
gnomAD v4.1: 2 of 1,614,034 alleles (0.00012%); highest among the groups gnomAD compares: East Asian, 0.0045%; no homozygotes.

Submission:

CeGaT Center for Human Genetics Tuebingen
Classification: Likely benign. Last evaluated: 2022-03-01. Review status: criteria provided, single submitter. Criteria: CeGaT Center For Human Genetics Tuebingen Variant Classification Criteria Version 2. Collection method: clinical testing. Allele origin: germline. Affected: yes. Observed: 1 variant allele.
Comment: MTFMT: BP4, BP7

NM_139242.4(MTFMT):c.273A>C (p.Pro91=)

Gene: MTFMT (mitochondrial methionyl-tRNA formyltransferase; minus strand). Cytogenetic location: 15q22.31.
Variant type: single nucleotide variant.
Coding change: c.273A>C on transcript NM_139242.4 (MANE Select); coding-DNA position 273, A replaced by C.
Protein change: p.Pro91=; no amino-acid change (proline 91 retained).
Molecular consequence: synonymous variant.
Genome position (GRCh38, 1-based): chr15:65,026,977, T>G on the plus strand (A>C on the coding strand, the complement: MTFMT is on the minus strand). VCF-style: chr15-65026977-T-G. GRCh37 (hg19) VCF-style: chr15-65319315-T-G.
Identifiers: ClinVar variation 2645451 (VCV002645451.24), dbSNP rs762875484, ClinGen allele CA7613402.